The following is an entry in ClinVar:

NM_002691.4(POLD1):c.1686+8G>A

Gene: POLD1 (DNA polymerase delta 1, catalytic subunit; plus strand). Cytogenetic location: 19q13.33.
Variant type: single nucleotide variant.
Coding change: c.1686+8G>A on transcript NM_002691.4 (MANE Select); 8 bases into the intron after coding-DNA position 1686, G replaced by A.
Molecular consequence: intron variant.
Genome position (GRCh38, 1-based): chr19:50,407,182, G>A. VCF-style: chr19-50407182-G-A. GRCh37 (hg19) VCF-style: chr19-50910439-G-A.
Other names: c.1686+8G>A (NM_001256849.1, NM_001308632.1).
Identifiers: ClinVar variation 795568 (VCV000795568.12), dbSNP rs200149305, ClinGen allele CA9596204.

ClinVar aggregate classification (germline): Likely benign. Review status: criteria provided, multiple submitters, no conflicts (2 of 4 stars). 2 submissions from 2 submitters: Likely benign (2). Last evaluated 2025-02-07.

Conditions:
POLD1-related polyposis and colorectal cancer syndrome (CRCS10). Also called: Colorectal cancer, susceptibility to, 10; Colorectal cancer 10; COLORECTAL CANCER, SUSCEPTIBILITY TO, ON CHROMOSOME 19q. Identifiers: Orphanet 220460, MedGen C2675481, MONDO:0012953, OMIM 612591.

Allele frequency attached by ClinVar (database versions not stated): ExAC 0.00001; gnomAD 0.00001; gnomAD exomes 0.00001; 1000 Genomes Project 30x 0.00016; 1000 Genomes Project 0.00020.
gnomAD v4.1: 3 of 1,594,160 alleles (0.00019%); highest among the groups gnomAD compares: Admixed American, 0.0034%; no homozygotes.

Submissions (2):

Myriad Genetics, Inc.
Classification: Likely benign for POLD1-related polyposis and colorectal cancer syndrome. Last evaluated: 2025-02-07. Review status: criteria provided, single submitter. Criteria: Myriad Autosomal Dominant, Autosomal Recessive and X-Linked Classification Criteria (2023). Collection method: clinical testing. Allele origin: unknown.
Comment: This variant is considered likely benign. This variant is intronic and is not expected to impact mRNA splicing.

Labcorp Genetics (formerly Invitae), Labcorp
Classification: Likely benign for POLD1-related polyposis and colorectal cancer syndrome. Last evaluated: 2024-11-11. Review status: criteria provided, single submitter. Criteria: Invitae Variant Classification Sherloc (09022015). Collection method: clinical testing. Allele origin: germline.